The following is an entry in ClinVar:

ClinVar aggregate classification (germline): Uncertain significance (1 of 4 stars; one submission).

gnomAD v4.1: 8 of 1,613,080 alleles (0.0005%); highest among the groups gnomAD compares: Non-Finnish European, 0.00068%; no homozygotes.

Submission:

GeneDx
Classification: Uncertain significance. Last evaluated: 2025-06-11. Review status: criteria provided, single submitter. Criteria: GeneDx Variant Classification Process June 2021. Collection method: clinical testing. Allele origin: germline. Affected: yes.
Comment: Not observed at significant frequency in large population cohorts (gnomAD); In silico analysis suggests that this missense variant does not alter protein structure/function; Has not been previously published as pathogenic or benign to our knowledge

NM_032575.3(GLIS2):c.195C>A (p.Phe65Leu)

Gene: GLIS2 (GLIS family zinc finger 2; plus strand). Cytogenetic location: 16p13.3.
Variant type: single nucleotide variant.
Coding change: c.195C>A on transcript NM_032575.3 (MANE Select); coding-DNA position 195, C replaced by A.
Protein change: p.Phe65Leu; replaces phenylalanine 65 with leucine.
Molecular consequence: missense variant.
Genome position (GRCh38, 1-based): chr16:4,333,369, C>A. VCF-style: chr16-4333369-C-A. GRCh37 (hg19) VCF-style: chr16-4383370-C-A.
Other names: c.195C>A, p.Phe65Leu (NM_001318918.2); short protein forms F65L.
Identifiers: ClinVar variation 4538011 (VCV004538011.1).